The following is an entry in ClinVar:

ClinVar aggregate classification (germline): Pathogenic (1 of 4 stars; one submission).

Conditions:
Nemaline myopathy 2 (NEM2). Also called: Nemaline myopathy 2, autosomal recessive. Identifiers: MedGen C1850569, MONDO:0009725, OMIM 256030.

Submission:

Myriad Genetics, Inc.
Classification: Pathogenic for Nemaline myopathy 2. Last evaluated: 2026-04-28. Review status: criteria provided, single submitter. Criteria: Myriad Autosomal Dominant, Autosomal Recessive and X-Linked Classification Criteria (2023). Collection method: clinical testing. Allele origin: unknown.
Comment: NM_001271208.1(NEB):c.3626delG(G1209Afs*15) is expected to be pathogenic in the context of NEB-related nemaline myopathy. This variant is predicted to lead to an abnormal or absent protein product due to the creation of a premature termination codon in NEB, a gene where loss-of-function variants are known to be pathogenic. Please note: this variant was assessed in the context of healthy population screening.

NM_001164508.2(NEB):c.3626del (p.Gly1209fs)

Gene: NEB (nebulin; minus strand). Cytogenetic location: 2q23.3.
Variant type: Deletion.
Coding change: c.3626del on transcript NM_001164508.2 (MANE Select); coding-DNA position 3626, one base deleted (G; older notation c.3626delG).
Protein change: p.Gly1209fs; shifts the reading frame from glycine 1209.
Molecular consequence: frameshift variant.
Genome position (GRCh38, 1-based): chr2:151,677,713, C deleted on the plus strand (G on the coding strand, the reverse complement: NEB is on the minus strand); the first of 2 consecutive C bases (chr2:151,677,713-151,677,714); deleting either gives the same sequence. VCF-style (leftmost placement, unchanged base first): chr2-151677712-GC-G. GRCh37 (hg19) VCF-style: chr2-152534226-GC-G.
Other names: c.3626del, p.Gly1209fs (NM_001164507.2, NM_001271208.2, NM_004543.5); short protein forms G1209fs.
Identifiers: ClinVar variation 5015836 (VCV005015836.1).